The following is an entry in ClinVar:

ClinVar aggregate classification (germline): Pathogenic (1 of 4 stars; one submission).

Conditions:
Torsion dystonia 6 (DYT6). Also called: DYT-THAP1. Identifiers: Orphanet 98806, MedGen C1414216, MONDO:0011264, OMIM 602629.

Submission:

Labcorp Genetics (formerly Invitae), Labcorp
Classification: Pathogenic for Torsion dystonia 6. Last evaluated: 2022-07-11. Review status: criteria provided, single submitter. Criteria: Invitae Variant Classification Sherloc (09022015). Collection method: clinical testing. Allele origin: germline.
Comment: This sequence change creates a premature translational stop signal (p.Gln111*) in the THAP1 gene. While this is not anticipated to result in nonsense mediated decay, it is expected to disrupt the last 103 amino acid(s) of the THAP1 protein. For these reasons, this variant has been classified as Pathogenic. This variant disrupts a region of the THAP1 protein in which other variant(s) (p.Arg169*) have been determined to be pathogenic (Invitae). This suggests that this is a clinically significant region of the protein, and that variants that disrupt it are likely to be disease-causing. Algorithms developed to predict the effect of sequence changes on RNA splicing suggest that this variant may create or strengthen a splice site. ClinVar contains an entry for this variant (Variation ID: 654563). This premature translational stop signal has been observed in individual(s) with clinical features of dystonia (Invitae). This variant is not present in population databases (gnomAD no frequency).

NM_018105.3(THAP1):c.331C>T (p.Gln111Ter)

Gene: THAP1 (THAP domain containing 1; minus strand). Cytogenetic location: 8p11.21.
Variant type: single nucleotide variant.
Coding change: c.331C>T on transcript NM_018105.3 (MANE Select); coding-DNA position 331, C replaced by T.
Protein change: p.Gln111Ter; replaces glutamine 111 with a stop codon.
Molecular consequence: nonsense. On other transcripts: synonymous variant (1).
Genome position (GRCh38, 1-based): chr8:42,838,273, G>A on the plus strand (C>T on the coding strand, the complement: THAP1 is on the minus strand). VCF-style: chr8-42838273-G-A. GRCh37 (hg19) VCF-style: chr8-42693416-G-A.
Other names: c.135C>T, p.Pro45= (NM_199003.2); short protein forms Q111*.
Identifiers: ClinVar variation 654563 (VCV000654563.5), dbSNP rs1586456404, ClinGen allele CA371107355.
Genomic context (GRCh38, chr8:42,838,273, plus strand): 5'-CTGAGAGATTAACAGGGGTCTGAAGAGGCGGCATTAGTAATCCAATAGCAGCATCAACCT[G>A]GGAAACAGGAGGCGGTAAAGGAGGTGGGGGAAGCTGTTCCTGTGGCTCCAGAAGATCTTC-3'